The following is an entry in ClinVar:

ClinVar aggregate classification (germline): Uncertain significance (1 of 4 stars; one submission).

Conditions:
Brown-Vialetto-van Laere syndrome 2. Also called: Riboflavin transporter deficiency type 2; SPINOCEREBELLAR ATAXIA WITH BLINDNESS AND DEAFNESS 2. Identifiers: Orphanet 572543, Orphanet 97229, MedGen C3553538, MONDO:0013867, OMIM 614707.

Allele frequency attached by ClinVar (database versions not stated): gnomAD exomes 0.00004.
gnomAD v4.1: 30 of 1,613,730 alleles (0.0019%); highest among the groups gnomAD compares: Non-Finnish European, 0.0025%; no homozygotes.

Submission:

Labcorp Genetics (formerly Invitae), Labcorp
Classification: Uncertain significance for Brown-Vialetto-van Laere syndrome 2. Last evaluated: 2020-03-16. Review status: criteria provided, single submitter. Criteria: Invitae Variant Classification Sherloc (09022015). Collection method: clinical testing. Allele origin: germline.
Comment: This sequence change replaces alanine with valine at codon 103 of the SLC52A2 protein (p.Ala103Val). The alanine residue is moderately conserved and there is a small physicochemical difference between alanine and valine. This variant is not present in population databases (ExAC no frequency). This variant has not been reported in the literature in individuals with SLC52A2-related conditions. Algorithms developed to predict the effect of missense changes on protein structure and function output the following: SIFT: "Tolerated"; PolyPhen-2: "Benign"; Align-GVGD: "Class C0". The valine amino acid residue is found in multiple mammalian species, suggesting that this missense change does not adversely affect protein function. These predictions have not been confirmed by published functional studies and their clinical significance is uncertain. In summary, the available evidence is currently insufficient to determine the role of this variant in disease. Therefore, it has been classified as a Variant of Uncertain Significance.

NM_001363118.2(SLC52A2):c.308C>T (p.Ala103Val)

Gene: SLC52A2 (solute carrier family 52 member 2; plus strand). Cytogenetic location: 8q24.3.
Variant type: single nucleotide variant.
Coding change: c.308C>T on transcript NM_001363118.2 (MANE Select); coding-DNA position 308, C replaced by T.
Protein change: p.Ala103Val; replaces alanine 103 with valine.
Molecular consequence: missense variant. On other transcripts: non-coding transcript variant (1), intron variant (1).
Genome position (GRCh38, 1-based): chr8:144,359,800, C>T. VCF-style: chr8-144359800-C-T. GRCh37 (hg19) VCF-style: chr8-145583460-C-T.
Other names: c.308C>T, p.Ala103Val (NM_001253815.2, NM_001253816.2, NM_001363120.2 and 2 more transcripts); c.131-315C>T (NM_001363122.2); short protein forms A103V.
Identifiers: ClinVar variation 1041637 (VCV001041637.5), dbSNP rs1818709257, ClinGen allele CA372626787.